The following is an entry in ClinVar:

NM_172245.4(CSF2RA):c.1071G>A (p.Pro357=)

Gene: CSF2RA (colony stimulating factor 2 receptor subunit alpha; plus strand). Cytogenetic location: Xp22.33.
Variant type: single nucleotide variant.
Coding change: c.1071G>A on transcript NM_172245.4 (MANE Select); coding-DNA position 1071, G replaced by A.
Protein change: p.Pro357=; no amino-acid change (proline 357 retained).
Molecular consequence: synonymous variant. On other transcripts: missense variant (5), non-coding transcript variant (1), intron variant (1).
Genome position (GRCh38, 1-based): chrX:1,305,473, G>A. VCF-style: chrX-1305473-G-A. GRCh37 (hg19) VCF-style: chrX-1424366-G-A.
Other names: c.1071G>A, p.Pro357= (NM_001161529.2, NM_001161531.2, NM_001379155.1 and 9 more transcripts); c.1173G>A, p.Pro391= (NM_001161530.2, NM_001379153.1, NM_001379154.1); c.672G>A, p.Pro224= (NM_001161532.2); c.1041G>A, p.Pro347= (NM_001379160.1); c.882G>A, p.Pro294= (NM_001379166.1); c.974G>A, p.Arg325His (NM_001379167.1, NM_001379168.1, NM_001379169.1 and 1 more transcripts); c.674G>A, p.Arg225His (NM_172249.4); c.947-3929G>A (NM_172246.4); and 1 more; short protein forms R325H, R225H.
Identifiers: ClinVar variation 537346 (VCV000537346.16), dbSNP rs56960778, ClinGen allele CA10331185.

ClinVar aggregate classification (germline): Benign/Likely benign. Review status: criteria provided, multiple submitters, no conflicts (2 of 4 stars). 4 submissions from 4 submitters: Benign (2); Likely benign (1). 1 of the submissions does not count toward it. Last evaluated 2026-01-05.

Conditions:
CSF2RA-related disorder. Also called: CSF2RA-related condition.
Surfactant metabolism dysfunction, pulmonary, 4 (SMDP4). Also called: PAP DUE TO CSF2RA DEFICIENCY; PULMONARY ALVEOLAR PROTEINOSIS, CONGENITAL, 4; CSF2RA DEFICIENCY. Identifiers: Orphanet 264675, MedGen C2677877, MONDO:0010424, OMIM 300770.

Allele frequency attached by ClinVar (database versions not stated): ESP Exome Variant Server 0.00415; 1000 Genomes Project 0.00450; TOPMed 0.00499; 1000 Genomes Project 30x 0.00562.
gnomAD v4.1: 1,297 of 1,613,898 alleles (0.08%); highest among the groups gnomAD compares: African/African-American, 1.6%; 5 homozygotes.

Submissions (4):

Labcorp Genetics (formerly Invitae), Labcorp
Classification: Benign for Surfactant metabolism dysfunction, pulmonary, 4. Last evaluated: 2026-01-05. Review status: criteria provided, single submitter. Criteria: Invitae Variant Classification Sherloc (09022015). Collection method: clinical testing. Allele origin: germline.

Blueprint Genetics
Classification: Likely benign. Last evaluated: 2024-10-30. Review status: criteria provided, single submitter. Criteria: ACMG Guidelines, 2015. Collection method: clinical testing. Allele origin: germline.

Breakthrough Genomics
Classification: Benign. Review status: criteria provided, single submitter. Criteria: ACMG Guidelines, 2015. Collection method: not provided. Allele origin: germline. Inheritance: Unknown mechanism. Affected: yes.

PreventionGenetics, part of Exact Sciences
Classification: Benign for CSF2RA-related condition. Last evaluated: 2019-06-13. Review status: no assertion criteria provided. Collection method: clinical testing. Allele origin: germline. Not counted in ClinVar's aggregate classification.
Comment: This variant is classified as benign based on ACMG/AMP sequence variant interpretation guidelines (Richards et al. 2015 PMID: 25741868, with internal and published modifications).